The following is an entry in ClinVar:

NM_001164508.2(NEB):c.18763G>T (p.Val6255Leu)

Gene: NEB (nebulin; minus strand). Cytogenetic location: 2q23.3.
Variant type: single nucleotide variant.
Coding change: c.18763G>T on transcript NM_001164508.2 (MANE Select); coding-DNA position 18763, G replaced by T.
Protein change: p.Val6255Leu; replaces valine 6255 with leucine.
Molecular consequence: missense variant.
Genome position (GRCh38, 1-based): chr2:151,562,739, C>A on the plus strand (G>T on the coding strand, the complement: NEB is on the minus strand). VCF-style: chr2-151562739-C-A. GRCh37 (hg19) VCF-style: chr2-152419253-C-A.
Other names: c.18763G>T, p.Val6255Leu (NM_001164507.2, NM_001271208.2); c.13660G>T, p.Val4554Leu (NM_004543.5); short protein forms V6255L, V4554L.
Identifiers: ClinVar variation 1446465 (VCV001446465.8), dbSNP rs781706876, ClinGen allele CA348798130.

ClinVar aggregate classification (germline): Uncertain significance (1 of 4 stars; one submission).

Conditions:
Nemaline myopathy 2 (NEM2). Also called: Nemaline myopathy 2, autosomal recessive. Identifiers: MedGen C1850569, MONDO:0009725, OMIM 256030.

gnomAD v4.1: 1 of 1,601,832 alleles (0.000062%); highest among the groups gnomAD compares: Non-Finnish European, 0.000085%; no homozygotes.

Submission:

Labcorp Genetics (formerly Invitae), Labcorp
Classification: Uncertain significance for Nemaline myopathy 2. Last evaluated: 2023-07-07. Review status: criteria provided, single submitter. Criteria: Invitae Variant Classification Sherloc (09022015). Collection method: clinical testing. Allele origin: germline.
Comment: In summary, the available evidence is currently insufficient to determine the role of this variant in disease. Therefore, it has been classified as a Variant of Uncertain Significance. Experimental studies and prediction algorithms are not available or were not evaluated, and the functional significance of this variant is currently unknown. ClinVar contains an entry for this variant (Variation ID: 1446465). This variant has not been reported in the literature in individuals affected with NEB-related conditions. This variant is not present in population databases (gnomAD no frequency). This sequence change replaces valine, which is neutral and non-polar, with leucine, which is neutral and non-polar, at codon 6255 of the NEB protein (p.Val6255Leu).